The following is an entry in ClinVar:

NM_016333.4(SRRM2):c.1559A>G (p.Gln520Arg)

Gene: SRRM2 (serine/arginine repetitive matrix 2; plus strand). Cytogenetic location: 16p13.3.
Variant type: single nucleotide variant.
Coding change: c.1559A>G on transcript NM_016333.4 (MANE Select); coding-DNA position 1559, A replaced by G.
Protein change: p.Gln520Arg; replaces glutamine 520 with arginine.
Molecular consequence: missense variant.
Genome position (GRCh38, 1-based): chr16:2,762,087, A>G. VCF-style: chr16-2762087-A-G. GRCh37 (hg19) VCF-style: chr16-2812088-A-G.
Other names: short protein forms Q520R.
Identifiers: ClinVar variation 4729416 (VCV004729416.1).

ClinVar aggregate classification (germline): Uncertain significance (1 of 4 stars; one submission).

gnomAD v4.1: 1 of 1,614,204 alleles (0.000062%); highest among the groups gnomAD compares: Non-Finnish European, 0.000085%; no homozygotes.

Submission:

Labcorp Genetics (formerly Invitae), Labcorp
Classification: Uncertain significance. Last evaluated: 2025-10-17. Review status: criteria provided, single submitter. Criteria: Invitae Variant Classification Sherloc (09022015). Collection method: clinical testing. Allele origin: germline.
Comment: This sequence change replaces glutamine, which is neutral and polar, with arginine, which is basic and polar, at codon 520 of the SRRM2 protein (p.Gln520Arg). This variant is not present in population databases (gnomAD no frequency). This variant has not been reported in the literature in individuals affected with SRRM2-related conditions. Experimental studies and prediction algorithms are not available or were not evaluated, and the functional significance of this variant is currently unknown. In summary, the available evidence is currently insufficient to determine the role of this variant in disease. Therefore, it has been classified as a Variant of Uncertain Significance.